The following is an entry in ClinVar:

ClinVar aggregate classification (germline): Pathogenic (1 of 4 stars; one submission).

Conditions:
MHC class I deficiency. Identifiers: Orphanet 34592, MedGen C6024714, MONDO:0011476.

Submission:

Labcorp Genetics (formerly Invitae), Labcorp
Classification: Pathogenic for MHC class I deficiency 1. Last evaluated: 2021-08-31. Review status: criteria provided, single submitter. Criteria: Invitae Variant Classification Sherloc (09022015). Collection method: clinical testing. Allele origin: germline.
Comment: For these reasons, this variant has been classified as Pathogenic. This variant has not been reported in the literature in individuals affected with TAP2-related conditions. This sequence change creates a premature translational stop signal (p.Ser421Alafs*48) in the TAP2 gene. It is expected to result in an absent or disrupted protein product. Loss-of-function variants in TAP2 are known to be pathogenic (PMID: 7517574, 11529920, 12067308, 23662797). This variant is not present in population databases (ExAC no frequency).

Literature cited by the submitters: PubMed 7517574; PubMed 11529920; PubMed 12067308; PubMed 23662797.

NM_001290043.2(TAP2):c.1260del (p.Ser421fs)

Gene: TAP2 (transporter 2, ATP binding cassette subfamily B member; minus strand). Cytogenetic location: 6p21.32.
Variant type: Deletion.
Coding change: c.1260del on transcript NM_001290043.2 (MANE Select); coding-DNA position 1260, one base deleted (G; older notation c.1260delG).
Protein change: p.Ser421fs; shifts the reading frame from serine 421.
Molecular consequence: frameshift variant.
Genome position (GRCh38, 1-based): chr6:32,832,345, C deleted on the plus strand (G on the coding strand, the reverse complement: TAP2 is on the minus strand); the first of 4 consecutive C bases (chr6:32,832,345-32,832,348); deleting any one gives the same sequence. VCF-style (leftmost placement, unchanged base first): chr6-32832344-TC-T. GRCh37 (hg19) VCF-style: chr6-32800121-TC-T.
Other names: c.1260del, p.Ser421fs (NM_000544.3, NM_018833.3); short protein forms S421fs.
Identifiers: ClinVar variation 1443971 (VCV001443971.6), dbSNP rs1769133149, ClinGen allele CA1619754663.
Genomic context (GRCh38, chr6:32,832,344, plus strand): 5'-AAAGAAAAAGAGAGGGAAAAAAGGAGAGCAGGCTTGGCTTCTCGCTCACCTGCACATAGC[TC>T]CCCACGCTCTCCTGGTAGATCATAAAGGAAAGCAGGCTGCCCTGGGTGAGCTCCCCATCC-3'